The following is an entry in ClinVar:

NM_030632.3(ASXL3):c.2665G>A (p.Gly889Arg)

Gene: ASXL3 (ASXL transcriptional regulator 3; plus strand). Cytogenetic location: 18q12.1.
Variant type: single nucleotide variant.
Coding change: c.2665G>A on transcript NM_030632.3 (MANE Select); coding-DNA position 2665, G replaced by A.
Protein change: p.Gly889Arg; replaces glycine 889 with arginine.
Molecular consequence: missense variant.
Genome position (GRCh38, 1-based): chr18:33,740,069, G>A. VCF-style: chr18-33740069-G-A. GRCh37 (hg19) VCF-style: chr18-31320033-G-A.
Other names: short protein forms G889R.
Identifiers: ClinVar variation 3440355 (VCV003440355.2).

ClinVar aggregate classification (germline): Likely benign. Review status: criteria provided, multiple submitters, no conflicts (2 of 4 stars). 2 submissions from 2 submitters: Likely benign (2). Last evaluated 2026-09-01.

Conditions:
Inborn genetic diseases. Identifiers: MedGen C0950123, MeSH D030342.

gnomAD v4.1: 171 of 1,613,812 alleles (0.011%); highest among the groups gnomAD compares: Non-Finnish European, 0.011%; no homozygotes.

Submissions (2):

CeGaT Center for Human Genetics Tuebingen
Classification: Likely benign. Last evaluated: 2026-09-01. Review status: criteria provided, single submitter. Criteria: CeGaT Center For Human Genetics Tuebingen Variant Classification Criteria Version 2. Collection method: clinical testing. Allele origin: germline. Affected: yes. Observed: 1 variant allele.
Comment: ASXL3: BP4

Ambry Genetics
Classification: Likely benign for Inborn genetic diseases. Last evaluated: 2024-11-10. Review status: criteria provided, single submitter. Criteria: Ambry Variant Classification Scheme 2023. Collection method: clinical testing. Allele origin: germline.